The following is an entry in ClinVar:

NM_002335.4(LRP5):c.323T>C (p.Val108Ala)

Gene: LRP5 (LDL receptor related protein 5; plus strand). Cytogenetic location: 11q13.2.
Variant type: single nucleotide variant.
Coding change: c.323T>C on transcript NM_002335.4 (MANE Select); coding-DNA position 323, T replaced by C.
Protein change: p.Val108Ala; replaces valine 108 with alanine.
Molecular consequence: missense variant. On other transcripts: 5 prime UTR variant (1).
Genome position (GRCh38, 1-based): chr11:68,348,078, T>C. VCF-style: chr11-68348078-T-C. GRCh37 (hg19) VCF-style: chr11-68115546-T-C.
Other names: c.-1443T>C (NM_001291902.2); short protein forms V108A.
Identifiers: ClinVar variation 1001216 (VCV001001216.8), dbSNP rs1370847298, ClinGen allele CA381610532.
Genomic context (GRCh38, chr11:68,348,078, plus strand): 5'-AGCAGACCTACCTGAACCAGACGGGGGCCGCCGTGCAGAACGTGGTCATCTCCGGCCTGG[T>C]CTCTCCCGACGGCCTCGCCTGCGACTGGGTGGGCAAGAAGCTGTACTGGACGGACTCAGA-3'
Protein context (NP_002326.2, residues 98-118): AVQNVVISGL[Val108Ala]SPDGLACDWV

ClinVar aggregate classification (germline): Uncertain significance (1 of 4 stars; one submission).

Allele frequency attached by ClinVar (database versions not stated): gnomAD 0.00001; gnomAD exomes 0.00001.
gnomAD v4.1: 10 of 1,613,946 alleles (0.00062%); highest among the groups gnomAD compares: Non-Finnish European, 0.00076%; no homozygotes.

Submission:

Labcorp Genetics (formerly Invitae), Labcorp
Classification: Uncertain significance. Last evaluated: 2024-02-17. Review status: criteria provided, single submitter. Criteria: Invitae Variant Classification Sherloc (09022015). Collection method: clinical testing. Allele origin: germline.
Comment: This sequence change replaces valine, which is neutral and non-polar, with alanine, which is neutral and non-polar, at codon 108 of the LRP5 protein (p.Val108Ala). This variant is present in population databases (no rsID available, gnomAD 0.002%). This variant has not been reported in the literature in individuals affected with LRP5-related conditions. ClinVar contains an entry for this variant (Variation ID: 1001216). Advanced modeling of protein sequence and biophysical properties (such as structural, functional, and spatial information, amino acid conservation, physicochemical variation, residue mobility, and thermodynamic stability) performed at Invitae indicates that this missense variant is not expected to disrupt LRP5 protein function with a negative predictive value of 95%. In summary, the available evidence is currently insufficient to determine the role of this variant in disease. Therefore, it has been classified as a Variant of Uncertain Significance.